The following is an entry in ClinVar:

ClinVar aggregate classification (germline): Uncertain significance (1 of 4 stars; one submission).

Allele frequency attached by ClinVar (database versions not stated): TOPMed below 0.00001; gnomAD 0.00001.

Submission:

Ambry Genetics
Classification: Uncertain significance. Last evaluated: 2023-09-15. Review status: criteria provided, single submitter. Criteria: Ambry Variant Classification Scheme 2023. Collection method: clinical testing. Allele origin: germline.
Comment: The p.A509V variant (also known as c.1526C>T), located in coding exon 8 of the PALLD gene, results from a C to T substitution at nucleotide position 1526. The alanine at codon 509 is replaced by valine, an amino acid with similar properties. This amino acid position is conserved. In addition, the in silico prediction for this alteration is inconclusive. Since supporting evidence is limited at this time, the clinical significance of this alteration remains unclear.

NM_001166108.2(PALLD):c.1526C>T (p.Ala509Val)

Gene: PALLD (palladin, cytoskeletal associated protein; plus strand). Cytogenetic location: 4q32.3.
Variant type: single nucleotide variant.
Coding change: c.1526C>T on transcript NM_001166108.2 (MANE Select); coding-DNA position 1526, C replaced by T.
Protein change: p.Ala509Val; replaces alanine 509 with valine.
Molecular consequence: missense variant.
Genome position (GRCh38, 1-based): chr4:168,709,052, C>T. VCF-style: chr4-168709052-C-T. GRCh37 (hg19) VCF-style: chr4-169630203-C-T.
Other names: c.380C>T, p.Ala127Val (NM_001166109.2); c.1526C>T, p.Ala509Val (NM_016081.4); short protein forms A127V, A509V.
Identifiers: ClinVar variation 1774525 (VCV001774525.2), dbSNP rs1032915738, ClinGen allele CA110496989.